The following is an entry in ClinVar:

NM_199420.4(POLQ):c.6724A>G (p.Ile2242Val)

Gene: POLQ (DNA polymerase theta; minus strand). Cytogenetic location: 3q13.33.
Variant type: single nucleotide variant.
Coding change: c.6724A>G on transcript NM_199420.4 (MANE Select); coding-DNA position 6724, A replaced by G.
Protein change: p.Ile2242Val; replaces isoleucine 2242 with valine.
Molecular consequence: missense variant.
Genome position (GRCh38, 1-based): chr3:121,468,426, T>C on the plus strand (A>G on the coding strand, the complement: POLQ is on the minus strand). VCF-style: chr3-121468426-T-C. GRCh37 (hg19) VCF-style: chr3-121187273-T-C.
Other names: short protein forms I2242V.
Identifiers: ClinVar variation 3230119 (VCV003230119.1), dbSNP rs532586971, ClinGen allele CA2562373.

ClinVar aggregate classification (germline): Uncertain significance (1 of 4 stars; one submission).

Allele frequency attached by ClinVar (database versions not stated): gnomAD 0.00001; ExAC 0.00002; 1000 Genomes Project 30x 0.00031; 1000 Genomes Project 0.00040.
gnomAD v4.1: 3 of 1,608,106 alleles (0.00019%); highest among the groups gnomAD compares: African/African-American, 0.004%; no homozygotes.

Submission:

Ambry Genetics
Classification: Uncertain significance. Last evaluated: 2024-01-17. Review status: criteria provided, single submitter. Criteria: Ambry Variant Classification Scheme 2023. Collection method: clinical testing. Allele origin: germline.
Comment: The p.I2242V variant (also known as c.6724A>G), located in coding exon 23 of the POLQ gene, results from an A to G substitution at nucleotide position 6724. The isoleucine at codon 2242 is replaced by valine, an amino acid with highly similar properties. This amino acid position is conserved. In addition, this alteration is predicted to be tolerated by in silico analysis. Based on the available evidence, the clinical significance of this alteration remains unclear.